The following is an entry in ClinVar:

Conditions:
Long QT syndrome 5 (LQT5). Identifiers: Orphanet 101016, Orphanet 768, MedGen C1867904, MONDO:0013372, OMIM 613695.

Submission:

Roden Lab, Vanderbilt University Medical Center
No classification provided (evidence only). Condition: Long QT syndrome 5. Review status: no classification provided. Collection method: in vitro. Allele origin: not applicable. Functional consequence: Effect on ion channel function.
ClinVar note: "not provided" was previously submitted as the classification for the variant. However, the classification appeared to be based only on an observation of functional data so it was converted to no classification on 2025-07-30.

NM_000219.6(KCNE1):c.111C>G (p.Ser37Arg)

Gene: KCNE1 (potassium voltage-gated channel subfamily E regulatory subunit 1; minus strand). Cytogenetic location: 21q22.12.
Variant type: single nucleotide variant.
Coding change: c.111C>G on transcript NM_000219.6 (MANE Select); coding-DNA position 111, C replaced by G.
Protein change: p.Ser37Arg; replaces serine 37 with arginine.
Molecular consequence: missense variant.
Genome position (GRCh38, 1-based): chr21:34,449,524, G>C on the plus strand (C>G on the coding strand, the complement: KCNE1 is on the minus strand). VCF-style: chr21-34449524-G-C. GRCh37 (hg19) VCF-style: chr21-35821822-G-C.
Other names: c.111C>G, p.Ser37Arg (NM_001127668.4, NM_001127669.4, NM_001127670.4 and 4 more transcripts); short protein forms S37R.
Identifiers: ClinVar variation 3374076 (VCV003374076.2).